The following is an entry in ClinVar:

NM_000340.2(SLC2A2):c.496+6T>A

Gene: SLC2A2 (solute carrier family 2 member 2; minus strand). Cytogenetic location: 3q26.2.
Variant type: single nucleotide variant.
Coding change: c.496+6T>A on transcript NM_000340.2 (MANE Select); 6 bases into the intron after coding-DNA position 496, T replaced by A.
Molecular consequence: intron variant.
Genome position (GRCh38, 1-based): chr3:171,009,952, A>T on the plus strand (T>A on the coding strand, the complement: SLC2A2 is on the minus strand). VCF-style: chr3-171009952-A-T. GRCh37 (hg19) VCF-style: chr3-170727741-A-T.
Other names: c.139+6T>A (NM_001278658.2); c.-23-2689T>A (NM_001278659.2).
Identifiers: ClinVar variation 2156011 (VCV002156011.1), dbSNP rs754309648, ClinGen allele CA2702689.
Genomic context (GRCh38, chr3:171,009,952, plus strand): 5'-GTTACTTTCAGACAAAGGTAGGTGTGTGTGTGTGTGTGTGTGTGTGTGTGTGTGTGTGTG[A>T]CTTACCACAATATAGTCCTGATATGCTTCTTCCAGCAATTATAAGTATATGAGATGGTCC-3'

ClinVar aggregate classification (germline): Uncertain significance (1 of 4 stars; one submission).

Conditions:
Fanconi-Bickel syndrome (FBS). Also called: FANCONI SYNDROME WITH INTESTINAL MALABSORPTION AND GALACTOSE INTOLERANCE; HEPATIC GLYCOGENOSIS WITH AMINO ACIDURIA AND GLUCOSURIA; HEPATIC GLYCOGENOSIS WITH FANCONI NEPHROPATHY; HEPATORENAL GLYCOGENOSIS WITH RENAL FANCONI SYNDROME; Glycogen storage disease due to GLUT2 deficiency; PSEUDO-PHLORIZIN DIABETES. Identifiers: Orphanet 2088, MedGen C3495427, MONDO:0009216, OMIM 227810.

Allele frequency attached by ClinVar (database versions not stated): ExAC 0.00005.

Submission:

Labcorp Genetics (formerly Invitae), Labcorp
Classification: Uncertain significance for Fanconi-Bickel syndrome. Last evaluated: 2022-03-12. Review status: criteria provided, single submitter. Criteria: Invitae Variant Classification Sherloc (09022015). Collection method: clinical testing. Allele origin: germline.
Comment: This sequence change falls in intron 4 of the SLC2A2 gene. It does not directly change the encoded amino acid sequence of the SLC2A2 protein. It affects a nucleotide within the consensus splice site. The frequency data for this variant in the population databases is considered unreliable, as metrics indicate poor data quality at this position in the gnomAD database. This variant has not been reported in the literature in individuals affected with SLC2A2-related conditions. Variants that disrupt the consensus splice site are a relatively common cause of aberrant splicing (PMID: 17576681, 9536098). Algorithms developed to predict the effect of sequence changes on RNA splicing suggest that this variant may disrupt the consensus splice site. In summary, the available evidence is currently insufficient to determine the role of this variant in disease. Therefore, it has been classified as a Variant of Uncertain Significance.

Literature cited by the submitters: PubMed 17576681; PubMed 9536098.